The following is an entry in ClinVar:

ClinVar aggregate classification (germline): Uncertain significance (1 of 4 stars; one submission).

Conditions:
Charcot-Marie-Tooth disease axonal type 2Z. Also called: CHARCOT-MARIE-TOOTH DISEASE, AXONAL, AUTOSOMAL DOMINANT, TYPE 2Z; CHARCOT-MARIE-TOOTH NEUROPATHY, TYPE 2Z. Identifiers: Orphanet 466768, MedGen C5569025, MONDO:0014736, OMIM 616688.

gnomAD v4.1: 1 of 1,614,076 alleles (0.000062%); highest among the groups gnomAD compares: Non-Finnish European, 0.000085%; no homozygotes.

Submission:

MVZ Medizinische Genetik Mainz
Classification: Uncertain significance for Charcot-Marie-Tooth disease axonal type 2Z. Last evaluated: 2026-06-18. Review status: criteria provided, single submitter. Criteria: UK Practice Guidelines For Variant Classification V4 01 2020. Collection method: clinical testing. Allele origin: germline. Inheritance: Autosomal dominant inheritance. Affected: yes. Observed: 1 variant allele.
Comment: ACMG Criteria: PM1,PM2_SUP,PP2,PP3

NM_001303256.3(MORC2):c.1225G>A (p.Gly409Arg)

Gene: MORC2 (MORC family CW-type zinc finger 2; minus strand). Cytogenetic location: 22q12.2.
Variant type: single nucleotide variant.
Coding change: c.1225G>A on transcript NM_001303256.3 (MANE Select); coding-DNA position 1225, G replaced by A.
Protein change: p.Gly409Arg; replaces glycine 409 with arginine.
Molecular consequence: missense variant.
Genome position (GRCh38, 1-based): chr22:30,937,959, C>T on the plus strand (G>A on the coding strand, the complement: MORC2 is on the minus strand). VCF-style: chr22-30937959-C-T. GRCh37 (hg19) VCF-style: chr22-31333946-C-T.
Other names: c.1225G>A, p.Gly409Arg (NM_001303257.2); c.1039G>A, p.Gly347Arg (NM_014941.3); short protein forms G347R, G409R.
Identifiers: ClinVar variation 4879857 (VCV004879857.1).